The following is an entry in ClinVar:

NM_032119.4(ADGRV1):c.16153G>A (p.Val5385Ile)

Gene: ADGRV1 (adhesion G protein-coupled receptor V1; plus strand). Cytogenetic location: 5q14.3.
Variant type: single nucleotide variant.
Coding change: c.16153G>A on transcript NM_032119.4 (MANE Select); coding-DNA position 16153, G replaced by A.
Protein change: p.Val5385Ile; replaces valine 5385 with isoleucine.
Molecular consequence: missense variant. On other transcripts: non-coding transcript variant (1).
Genome position (GRCh38, 1-based): chr5:90,815,693, G>A. VCF-style: chr5-90815693-G-A. GRCh37 (hg19) VCF-style: chr5-90111510-G-A.
Other names: short protein forms V5385I.
Identifiers: ClinVar variation 1472864 (VCV001472864.8), dbSNP rs2150251769, ClinGen allele CA360412618.

ClinVar aggregate classification (germline): Uncertain significance (1 of 4 stars; one submission).

Submission:

Labcorp Genetics (formerly Invitae), Labcorp
Classification: Uncertain significance. Last evaluated: 2022-03-10. Review status: criteria provided, single submitter. Criteria: Invitae Variant Classification Sherloc (09022015). Collection method: clinical testing. Allele origin: germline.
Comment: In summary, the available evidence is currently insufficient to determine the role of this variant in disease. Therefore, it has been classified as a Variant of Uncertain Significance. Algorithms developed to predict the effect of missense changes on protein structure and function (SIFT, PolyPhen-2, Align-GVGD) all suggest that this variant is likely to be tolerated. This variant has not been reported in the literature in individuals affected with ADGRV1-related conditions. This variant is not present in population databases (gnomAD no frequency). This sequence change replaces valine, which is neutral and non-polar, with isoleucine, which is neutral and non-polar, at codon 5385 of the ADGRV1 protein (p.Val5385Ile).